The following is an entry in ClinVar:

ClinVar aggregate classification (germline): Likely benign (1 of 4 stars; one submission).

Allele frequency attached by ClinVar (database versions not stated): gnomAD exomes 0.00034; gnomAD 0.00419; 1000 Genomes Project 0.00519; 1000 Genomes Project 30x 0.00562.
gnomAD v4.1: 1,068 of 1,367,970 alleles (0.078%); highest among the groups gnomAD compares: African/African-American, 1.3%; 8 homozygotes.

Submission:

GeneDx
Classification: Likely benign. Last evaluated: 2020-12-24. Review status: criteria provided, single submitter. Criteria: GeneDx Variant Classification Process June 2021. Collection method: clinical testing. Allele origin: germline. Affected: yes.
Comment: See Variant Classification Assertion Criteria.

NM_198334.3(GANAB):c.253-108T>G

Gene: GANAB (glucosidase II alpha subunit; minus strand). Cytogenetic location: 11q12.3.
Variant type: single nucleotide variant.
Coding change: c.253-108T>G on transcript NM_198334.3 (MANE Select); 108 bases into the intron before coding-DNA position 253, T replaced by G.
Molecular consequence: intron variant.
Genome position (GRCh38, 1-based): chr11:62,639,218, A>C on the plus strand (T>G on the coding strand, the complement: GANAB is on the minus strand). VCF-style: chr11-62639218-A-C. GRCh37 (hg19) VCF-style: chr11-62406690-A-C.
Other names: c.39-4218T>G (NM_001278193.2, NM_001278192.2); c.-39-108T>G (NM_001329223.2, NM_001278194.2, NM_001329222.2); c.-524-108T>G (NM_001329225.2, NM_001329224.2); c.253-108T>G (NM_198335.4).
Identifiers: ClinVar variation 1706951 (VCV001706951.2), dbSNP rs141459629, ClinGen allele CA223053273.
Genomic context (GRCh38, chr11:62,639,218, plus strand): 5'-ATGGAATGCTCTTTGAACCCATTCTCTCCTAAGGGGTTTCTTCCTTTGAGCCCTTTGCCT[A>C]AAGGCCAAGATCACATTTCTTCATAAAGTAAAAGTCCAAAGATTAGGCTGGGACAAGATG-3'